The following is an entry in ClinVar:

NM_000476.3(AK1):c.322C>T (p.Arg108Trp)

Genes: AK1 (adenylate kinase 1; minus strand), ST6GALNAC4-ST6GALNAC6-AK1 (ST6GALNAC4-ST6GALNAC6-AK1 readthrough; minus strand). Cytogenetic location: 9q34.11.
Variant type: single nucleotide variant.
Coding change: c.322C>T on transcript NM_000476.3 (MANE Select); coding-DNA position 322, C replaced by T.
Protein change: p.Arg108Trp; replaces arginine 108 with tryptophan.
Molecular consequence: missense variant. On other transcripts: non-coding transcript variant (8).
Genome position (GRCh38, 1-based): chr9:127,871,825, G>A on the plus strand (C>T on the coding strand, the complement: AK1 is on the minus strand). VCF-style: chr9-127871825-G-A. GRCh37 (hg19) VCF-style: chr9-130634104-G-A.
Other names: p.Arg108Trp; c.322C>T, p.Arg108Trp (NM_001318121.1); c.370C>T, p.Arg124Trp (NM_001318122.2); short protein forms R108W, R124W.
Identifiers: ClinVar variation 4541479 (VCV004541479.1).

ClinVar aggregate classification (germline): Uncertain significance (1 of 4 stars; one submission).

gnomAD v4.1: 34 of 1,613,714 alleles (0.0021%); highest among the groups gnomAD compares: South Asian, 0.0044%; no homozygotes.

Submission:

Mayo Clinic Laboratories, Mayo Clinic
Classification: Uncertain significance. Last evaluated: 2025-07-22. Review status: criteria provided, single submitter. Criteria: ACMG Guidelines, 2015. Collection method: clinical testing. Allele origin: germline. Observed: 1 variant allele.
Comment: PM2_supporting